The following is an entry in ClinVar:

NM_001048166.1(STIL):c.2452A>G (p.Thr818Ala)

Gene: STIL (STIL centriolar assembly protein; minus strand). Cytogenetic location: 1p33.
Variant type: single nucleotide variant.
Coding change: c.2452A>G on transcript NM_001048166.1 (MANE Select); coding-DNA position 2452, A replaced by G.
Protein change: p.Thr818Ala; replaces threonine 818 with alanine.
Molecular consequence: missense variant.
Genome position (GRCh38, 1-based): chr1:47,269,798, T>C on the plus strand (A>G on the coding strand, the complement: STIL is on the minus strand). VCF-style: chr1-47269798-T-C. GRCh37 (hg19) VCF-style: chr1-47735470-T-C.
Other names: c.2452A>G, p.Thr818Ala (NM_001282936.1, NM_001282937.1, NM_003035.2); c.2311A>G, p.Thr771Ala (NM_001282938.1, NM_001282939.1, NM_001377417.1); short protein forms T771A, T818A.
Identifiers: ClinVar variation 1308957 (VCV001308957.4), dbSNP rs1279650779, ClinGen allele CA340241312.

ClinVar aggregate classification (germline): Uncertain significance. Review status: criteria provided, multiple submitters, no conflicts (2 of 4 stars). 2 submissions from 2 submitters: Uncertain significance (2). Last evaluated 2022-12-17.

Allele frequency attached by ClinVar (database versions not stated): gnomAD exomes below 0.00001; TOPMed 0.00002.
gnomAD v4.1: 8 of 1,614,226 alleles (0.0005%); highest among the groups gnomAD compares: Non-Finnish European, 0.00059%; no homozygotes.

Submissions (2):

Dubai Health Genomic Medicine Center, Dubai Health
Classification: Uncertain significance. Last evaluated: 2022-12-17. Review status: criteria provided, single submitter. Criteria: ACMG Guidelines, 2015. Collection method: clinical testing. Allele origin: germline. Affected: yes.

GeneDx
Classification: Uncertain significance. Last evaluated: 2019-10-12. Review status: criteria provided, single submitter. Criteria: GeneDx Variant Classification Process June 2021. Collection method: clinical testing. Allele origin: germline. Affected: yes.
Comment: Not observed at a significant frequency in large population cohorts (Lek et al., 2016); In silico analysis, which includes protein predictors and evolutionary conservation, supports that this variant does not alter protein structure/function; Has not been previously published as pathogenic or benign to our knowledge